The following is an entry in ClinVar:

ClinVar aggregate classification (germline): Conflicting classifications of pathogenicity. Review status: criteria provided, conflicting classifications (1 of 4 stars). 5 submissions from 5 submitters: Uncertain significance (1); Likely benign (4). Last evaluated 2026-01-17.

Conditions:
Charcot-Marie-Tooth disease axonal type 2V. Also called: CHARCOT-MARIE-TOOTH NEUROPATHY, TYPE 2V; CHARCOT-MARIE-TOOTH DISEASE, AXONAL, AUTOSOMAL DOMINANT, TYPE 2V. Identifiers: Orphanet 447964, MedGen C5569050, MONDO:0014665, OMIM 616491.
Mucopolysaccharidosis, MPS-III-B (MPS3B). Also called: MUCOPOLYSACCHARIDOSIS, TYPE IIIB; N-ACETYL-ALPHA-D-GLUCOSAMINIDASE DEFICIENCY; NAGLU DEFICIENCY; SANFILIPPO SYNDROME B; MPS III B; MPS IIIB (Sanfilippo Syndrome Type B). Identifiers: Orphanet 79270, MedGen C0086648, MONDO:0009656, OMIM 252920.
NAGLU-related disorder. Also called: NAGLU-related condition.

Allele frequency attached by ClinVar (database versions not stated): ExAC 0.00008; TOPMed 0.00019; 1000 Genomes Project 0.00080; gnomAD exomes 0.00003 and 0.00008; 1000 Genomes Project 30x 0.00062; ESP Exome Variant Server 0.00008; gnomAD 0.00017.
gnomAD v4.1: 68 of 1,599,488 alleles (0.0043%); highest among the groups gnomAD compares: African/African-American, 0.06%; no homozygotes.

Submissions (5):

Labcorp Genetics (formerly Invitae), Labcorp
Classification: Likely benign for Charcot-Marie-Tooth disease axonal type 2V; Mucopolysaccharidosis, MPS-III-B. Last evaluated: 2026-01-17. Review status: criteria provided, single submitter. Criteria: Invitae Variant Classification Sherloc (09022015). Collection method: clinical testing. Allele origin: germline.

PreventionGenetics, part of Exact Sciences
Classification: Likely benign for NAGLU-related condition. Last evaluated: 2025-11-26. Review status: criteria provided, single submitter. Criteria: ACMG Guidelines, 2015. Collection method: clinical testing. Allele origin: germline.
Comment: This variant is classified as likely benign based on ACMG/AMP sequence variant interpretation guidelines (Richards et al. 2015 PMID: 25741868, with internal and published modifications).

Mayo Clinic Laboratories, Mayo Clinic
Classification: Likely benign. Last evaluated: 2025-07-14. Review status: criteria provided, single submitter. Criteria: ACMG Guidelines, 2015. Collection method: clinical testing. Allele origin: germline. Observed: 1 variant allele.
Comment: BP4, BP7, PM2_supporting

Blueprint Genetics
Classification: Likely benign. Last evaluated: 2024-06-19. Review status: criteria provided, single submitter. Criteria: ACMG Guidelines, 2015. Collection method: clinical testing. Allele origin: germline.

Illumina Laboratory Services, Illumina
Classification: Uncertain significance for Mucopolysaccharidosis, MPS-III-B. Last evaluated: 2018-01-12. Review status: criteria provided, single submitter. Criteria: ICSL Variant Classification Criteria 13 December 2019. Collection method: clinical testing. Allele origin: germline.

NM_000263.4(NAGLU):c.1464G>A (p.Pro488=)

Gene: NAGLU (N-acetyl-alpha-glucosaminidase; plus strand). Cytogenetic location: 17q21.2.
Variant type: single nucleotide variant.
Coding change: c.1464G>A on transcript NM_000263.4 (MANE Select); coding-DNA position 1464, G replaced by A.
Protein change: p.Pro488=; no amino-acid change (proline 488 retained).
Molecular consequence: synonymous variant.
Genome position (GRCh38, 1-based): chr17:42,543,470, G>A. VCF-style: chr17-42543470-G-A. GRCh37 (hg19) VCF-style: chr17-40695488-G-A.
Other names: p.Pro488=.
Identifiers: ClinVar variation 781366 (VCV000781366.17), dbSNP rs140956564, ClinGen allele CA8577029.